The following is an entry in ClinVar:

NM_005676.5(RBM10):c.641A>G (p.Asn214Ser)

Gene: RBM10 (RNA binding motif protein 10; plus strand). Cytogenetic location: Xp11.3.
Variant type: single nucleotide variant.
Coding change: c.641A>G on transcript NM_005676.5 (MANE Select); coding-DNA position 641, A replaced by G.
Protein change: p.Asn214Ser; replaces asparagine 214 with serine.
Molecular consequence: missense variant.
Genome position (GRCh38, 1-based): chrX:47,176,564, A>G. VCF-style: chrX-47176564-A-G. GRCh37 (hg19) VCF-style: chrX-47035963-A-G.
Other names: c.410A>G, p.Asn137Ser (NM_001204466.2, NM_152856.3); c.641A>G, p.Asn214Ser (NM_001204467.2); c.836A>G, p.Asn279Ser (NM_001204468.2); short protein forms N214S, N279S, N137S.
Identifiers: ClinVar variation 2808443 (VCV002808443.3), dbSNP rs781866485, ClinGen allele CA10395154.

ClinVar aggregate classification (germline): Uncertain significance (1 of 4 stars; one submission).

Allele frequency attached by ClinVar (database versions not stated): ExAC 0.00001; gnomAD 0.00001; gnomAD exomes 0.00001; 1000 Genomes Project 30x 0.00021; 1000 Genomes Project 0.00026.
gnomAD v4.1: 16 of 1,209,343 alleles (0.0013%); highest among the groups gnomAD compares: Admixed American, 0.0022%; no homozygotes.

Submission:

Labcorp Genetics (formerly Invitae), Labcorp
Classification: Uncertain significance. Last evaluated: 2023-08-14. Review status: criteria provided, single submitter. Criteria: Invitae Variant Classification Sherloc (09022015). Collection method: clinical testing. Allele origin: germline.
Comment: This sequence change replaces asparagine, which is neutral and polar, with serine, which is neutral and polar, at codon 214 of the RBM10 protein (p.Asn214Ser). This variant is present in population databases (rs781866485, gnomAD 0.006%). This variant has not been reported in the literature in individuals affected with RBM10-related conditions. An algorithm developed to predict the effect of missense changes on protein structure and function (PolyPhen-2) suggests that this variant is likely to be disruptive. In summary, the available evidence is currently insufficient to determine the role of this variant in disease. Therefore, it has been classified as a Variant of Uncertain Significance.